The following is an entry in ClinVar:

NM_002471.4(MYH6):c.5539C>T (p.Arg1847Trp)

Gene: MYH6 (myosin heavy chain 6; minus strand). Cytogenetic location: 14q11.2.
Variant type: single nucleotide variant.
Coding change: c.5539C>T on transcript NM_002471.4 (MANE Select); coding-DNA position 5539, C replaced by T.
Protein change: p.Arg1847Trp; replaces arginine 1847 with tryptophan.
Molecular consequence: missense variant.
Genome position (GRCh38, 1-based): chr14:23,384,468, G>A on the plus strand (C>T on the coding strand, the complement: MYH6 is on the minus strand). VCF-style: chr14-23384468-G-A. GRCh37 (hg19) VCF-style: chr14-23853677-G-A.
Other names: short protein forms R1847W.
Identifiers: ClinVar variation 807070 (VCV000807070.45), dbSNP rs752718246, ClinGen allele CA7114406.

ClinVar aggregate classification (germline): Uncertain significance. Review status: criteria provided, multiple submitters, no conflicts (2 of 4 stars). 2 submissions from 2 submitters: Uncertain significance (2). Last evaluated 2024-04-29.

Conditions:
Hypertrophic cardiomyopathy 14. Identifiers: MedGen C2750467, MONDO:0013197, OMIM 613251.

Allele frequency attached by ClinVar (database versions not stated): TOPMed below 0.00001; ExAC 0.00001; gnomAD 0.00001; gnomAD exomes 0.00001.
gnomAD v4.1: 10 of 1,611,688 alleles (0.00062%); highest among the groups gnomAD compares: East Asian, 0.0045%; no homozygotes.

Submissions (2):

Labcorp Genetics (formerly Invitae), Labcorp
Classification: Uncertain significance for Hypertrophic cardiomyopathy 14. Last evaluated: 2024-04-29. Review status: criteria provided, single submitter. Criteria: Invitae Variant Classification Sherloc (09022015). Collection method: clinical testing. Allele origin: germline.
Comment: This sequence change replaces arginine, which is basic and polar, with tryptophan, which is neutral and slightly polar, at codon 1847 of the MYH6 protein (p.Arg1847Trp). The frequency data for this variant in the population databases is considered unreliable, as metrics indicate poor data quality at this position in the gnomAD database. This missense change has been observed in individual(s) with dilated cardiomyopathy (PMID: 32041989). ClinVar contains an entry for this variant (Variation ID: 807070). Advanced modeling of protein sequence and biophysical properties (such as structural, functional, and spatial information, amino acid conservation, physicochemical variation, residue mobility, and thermodynamic stability) performed at Invitae indicates that this missense variant is expected to disrupt MYH6 protein function with a positive predictive value of 80%. In summary, the available evidence is currently insufficient to determine the role of this variant in disease. Therefore, it has been classified as a Variant of Uncertain Significance.

CeGaT Center for Human Genetics Tuebingen
Classification: Uncertain significance. Last evaluated: 2019-03-01. Review status: criteria provided, single submitter. Criteria: CeGaT Center For Human Genetics Tuebingen Variant Classification Criteria Version 2. Collection method: clinical testing. Allele origin: germline. Affected: yes. Observed: 1 variant allele.

Literature cited by the submitters: PubMed 32041989 (cited by Labcorp Genetics (formerly Invitae), Labcorp).